The following is an entry in ClinVar:

ClinVar aggregate classification (germline): Uncertain significance (1 of 4 stars; one submission).

Submission:

Labcorp Genetics (formerly Invitae), Labcorp
Classification: Uncertain significance. Last evaluated: 2025-03-19. Review status: criteria provided, single submitter. Criteria: Invitae Variant Classification Sherloc (09022015). Collection method: clinical testing. Allele origin: germline.
Comment: This sequence change replaces leucine, which is neutral and non-polar, with proline, which is neutral and non-polar, at codon 531 of the MARS2 protein (p.Leu531Pro). This variant is not present in population databases (gnomAD no frequency). This variant has not been reported in the literature in individuals affected with MARS2-related conditions. Invitae Evidence Modeling of protein sequence and biophysical properties (such as structural, functional, and spatial information, amino acid conservation, physicochemical variation, residue mobility, and thermodynamic stability) indicates that this missense variant is not expected to disrupt MARS2 protein function with a negative predictive value of 80%. In summary, the available evidence is currently insufficient to determine the role of this variant in disease. Therefore, it has been classified as a Variant of Uncertain Significance.

NM_138395.4(MARS2):c.1592T>C (p.Leu531Pro)

Gene: MARS2 (methionyl-tRNA synthetase 2, mitochondrial; plus strand). Cytogenetic location: 2q33.1.
Variant type: single nucleotide variant.
Coding change: c.1592T>C on transcript NM_138395.4 (MANE Select); coding-DNA position 1592, T replaced by C.
Protein change: p.Leu531Pro; replaces leucine 531 with proline.
Molecular consequence: missense variant.
Genome position (GRCh38, 1-based): chr2:197,706,997, T>C. VCF-style: chr2-197706997-T-C. GRCh37 (hg19) VCF-style: chr2-198571721-T-C.
Other names: short protein forms L531P.
Identifiers: ClinVar variation 4699693 (VCV004699693.1).
Genomic context (GRCh38, chr2:197,706,997, plus strand): 5'-ATGTGGCCTTGGAATGTTTGCGAGTCTTTGGGACTTTGCTGCAGCCTGTCACCCCAAGCC[T>C]AGCTGACAAGCTGCTGTCTAGGCTGGGGGTCTCTGCCTCAGAGAGGAGTCTTGGAGAGCT-3'
Protein context (NP_612404.1, residues 521-541): GTLLQPVTPS[Leu531Pro]ADKLLSRLGV